The following is an entry in ClinVar:

NM_001267550.2(TTN):c.18961A>G (p.Ile6321Val)

Genes: TTN (titin; minus strand), LOC126806430 (BRD4-independent group 4 enhancer GRCh37_chr2:179593794-179594993; plus strand). Cytogenetic location: 2q31.2.
Variant type: single nucleotide variant.
Coding change: c.18961A>G on transcript NM_001267550.2 (MANE Select); coding-DNA position 18961, A replaced by G.
Protein change: p.Ile6321Val; replaces isoleucine 6321 with valine.
Molecular consequence: missense variant. On other transcripts: intron variant (3).
Genome position (GRCh38, 1-based): chr2:178,729,077, T>C on the plus strand (A>G on the coding strand, the complement: TTN is on the minus strand). VCF-style: chr2-178729077-T-C. GRCh37 (hg19) VCF-style: chr2-179593804-T-C.
Other names: p.I6004V:ATT>GTT; c.18010A>G, p.Ile6004Val (NM_001256850.1); c.15229A>G, p.Ile5077Val (NM_133378.4); c.13282+9005A>G (NM_003319.4); c.13858+9005A>G (NM_133437.4); c.13657+9005A>G (NM_133432.3); short protein forms I6321V, I6004V, I5077V.
Identifiers: ClinVar variation 137839 (VCV000137839.35), dbSNP rs145204073, ClinGen allele CA295771.

ClinVar aggregate classification (germline): Conflicting classifications of pathogenicity. Review status: criteria provided, conflicting classifications (1 of 4 stars). 18 submissions from 14 submitters: Uncertain significance (4); Benign (8); Likely benign (4). 2 of the submissions do not count toward it. Last evaluated 2026-02-03.

Conditions:
Dilated cardiomyopathy 1G (CMD1G). Identifiers: Orphanet 154, MedGen C1858763, MONDO:0011400, OMIM 604145.
Autosomal recessive limb-girdle muscular dystrophy type 2J (LGMDR10). Also called: Limb-girdle muscular dystrophy, type 2J; MUSCULAR DYSTROPHY, LIMB-GIRDLE, AUTOSOMAL RECESSIVE 10. Identifiers: Orphanet 140922, MedGen C1837342, MONDO:0012127, OMIM 608807.
Cardiomyopathy (CMYO). Also called: Cardiomyopathies. Identifiers: Orphanet 167848, MedGen C0878544, MONDO:0004994, HP:0001638. Inheritance: Various modes of inheritance.
Early-onset myopathy with fatal cardiomyopathy (CMYO5). Also called: Salih Myopathy; CONGENITAL MYOPATHY 5 WITH CARDIOMYOPATHY. Identifiers: Orphanet 289377, MedGen C2673677, MONDO:0012714, OMIM 611705. Disease mechanism: loss of function.
Myopathy, myofibrillar, 9, with early respiratory failure (MFM9). Also called: Hereditary myopathy with early respiratory failure; MYOPATHY, PROXIMAL, WITH EARLY RESPIRATORY MUSCLE INVOLVEMENT; Myopathy, distal, with early respiratory failure, autosomal dominant; EDSTROM MYOPATHY. Identifiers: Orphanet 178464, Orphanet 34521, MedGen C1863599, MONDO:0011362, OMIM 603689.
Tibial muscular dystrophy (TMD). Also called: UDD MYOPATHY; Tibial muscular dystrophy, tardive; Udd Distal Myopathy – Tibial Muscular Dystrophy. Identifiers: Orphanet 609, MedGen C1838244, MONDO:0010870, OMIM 600334.

Allele frequency attached by ClinVar (database versions not stated): gnomAD 0.00146; TOPMed 0.00154; ESP Exome Variant Server 0.00195; gnomAD exomes 0.00013 and 0.00038; 1000 Genomes Project 30x 0.00312; ExAC 0.00050; 1000 Genomes Project 0.00319.
gnomAD v4.1: 418 of 1,612,460 alleles (0.026%); highest among the groups gnomAD compares: African/African-American, 0.5%; 1 homozygote.

Submissions (18):

Labcorp Genetics (formerly Invitae), Labcorp
Classification: Benign for Dilated cardiomyopathy 1G; Autosomal recessive limb-girdle muscular dystrophy type 2J. Last evaluated: 2026-02-03. Review status: criteria provided, single submitter. Criteria: Invitae Variant Classification Sherloc (09022015). Collection method: clinical testing. Allele origin: germline.

Athena Diagnostics
Classification: Benign. Last evaluated: 2025-09-18. Review status: criteria provided, single submitter. Criteria: Athena Diagnostics Criteria. Collection method: clinical testing. Allele origin: unknown.
Comment: The frequency of this variant in the general population is higher than would generally be expected for pathogenic variants in this gene. Computational tools predict this amino acid change may be benign.

Molecular Diagnostic Laboratory for Inherited Cardiovascular Disease, Montreal Heart Institute
Classification: Likely benign. Last evaluated: 2025-04-09. Review status: criteria provided, single submitter. Criteria: ACMG Guidelines, 2015. Collection method: clinical testing. Allele origin: germline. Affected: no.

Blueprint Genetics
Classification: Likely benign. Last evaluated: 2024-09-02. Review status: criteria provided, single submitter. Criteria: ACMG Guidelines, 2015. Collection method: clinical testing. Allele origin: germline.

Women's Health and Genetics/Laboratory Corporation of America, LabCorp
Classification: Benign. Last evaluated: 2022-02-06. Review status: criteria provided, single submitter. Criteria: LabCorp Variant Classification Summary - May 2015. Collection method: clinical testing. Allele origin: germline.
Comment: Variant summary: TTN c.15229A>G (p.Ile5077Val) results in a conservative amino acid change located in the I band domain of the encoded protein sequence. Three of four in-silico tools predict a benign effect of the variant on protein function. The variant allele was found at a frequency of 0.00038 in 245198 control chromosomes, predominantly at a frequency of 0.0055 within the African or African-American subpopulation in the gnomAD database, including 1 homozygote. The observed variant frequency within African or African-American control individuals in the gnomAD database is approximately 9 fold of the estimated maximal expected allele frequency for a pathogenic variant in TTN causing Cardiomyopathy phenotype (0.00063), strongly suggesting that the variant is a benign polymorphism found primarily in populations of African or African-American origin. To our knowledge, no occurrence of c.15229A>G in individuals affected with Cardiomyopathy and no experimental evidence demonstrating its impact on protein function have been reported. At-least one co-occurrence with another pathogenic variant has been observed at our laboratory (TTR c.424G>A, p.Val142Ile), providing supporting evidence for a benign role. Seven clinical diagnostic laboratories have submitted clinical-significance assessments for this variant to ClinVar after 2014 without evidence for independent evaluation. Multiple laboratories reported the variant with conflicting assessments with a majority consensus as benign/likely benign (n=5) (VUS, n=2). Based on the evidence outlined above, the variant was classified as benign.

CHEO Genetics Diagnostic Laboratory, Children's Hospital of Eastern Ontario
Classification: Benign for Cardiomyopathy. Last evaluated: 2021-09-01. Review status: criteria provided, single submitter. Criteria: ACMG Guidelines, 2015. Collection method: clinical testing. Allele origin: germline. Study: Canadian Open Genetics Repository.

Baylor Genetics
Classification: Uncertain significance for Autosomal recessive limb-girdle muscular dystrophy type 2J. Last evaluated: 2020-09-30. Review status: criteria provided, single submitter. Criteria: ACMG Guidelines, 2015. Collection method: clinical testing. Allele origin: unknown. Affected: yes.
Comment: This variant was determined to be of uncertain significance according to ACMG Guidelines, 2015 [PMID:25741868].

Center for Advanced Laboratory Medicine, UC San Diego Health, University of California San Diego
Classification: Benign for Cardiomyopathy. Last evaluated: 2019-04-17. Review status: criteria provided, single submitter. Criteria: ACMG Guidelines, 2015. Collection method: clinical testing. Allele origin: germline. Affected: yes. Observed: 1 variant allele.

Illumina Laboratory Services, Illumina
Classification: Uncertain significance for Dilated cardiomyopathy 1G. Last evaluated: 2018-01-13. Review status: criteria provided, single submitter. Criteria: ICSL Variant Classification Criteria 13 December 2019. Collection method: clinical testing. Allele origin: germline.

Illumina Laboratory Services, Illumina
Classification: Benign for Myopathy, myofibrillar, 9, with early respiratory failure. Last evaluated: 2018-01-13. Review status: criteria provided, single submitter. Criteria: ICSL Variant Classification Criteria 13 December 2019. Collection method: clinical testing. Allele origin: germline.
Comment: This variant was observed in the ICSL laboratory as part of a predisposition screen in an ostensibly healthy population. It had not been previously curated by ICSL or reported in the Human Gene Mutation Database (HGMD: prior to June 1st, 2018), and was therefore a candidate for classification through an automated scoring system. Utilizing variant allele frequency, disease prevalence and penetrance estimates, and inheritance mode, an automated score was calculated to assess if this variant is too frequent to cause the disease. Based on the score and internal cut-off values, a variant classified as benign is not then subjected to further curation. The score for this variant resulted in a classification of benign for this disease.

Illumina Laboratory Services, Illumina
Classification: Benign for Tibial muscular dystrophy. Last evaluated: 2018-01-13. Review status: criteria provided, single submitter. Criteria: ICSL Variant Classification Criteria 13 December 2019. Collection method: clinical testing. Allele origin: germline.
Comment: the same text as in the submission from Illumina Laboratory Services, Illumina above.

Illumina Laboratory Services, Illumina
Classification: Uncertain significance for Early-onset myopathy with fatal cardiomyopathy. Last evaluated: 2018-01-13. Review status: criteria provided, single submitter. Criteria: ICSL Variant Classification Criteria 13 December 2019. Collection method: clinical testing. Allele origin: germline.

Illumina Laboratory Services, Illumina
Classification: Uncertain significance for Autosomal recessive limb-girdle muscular dystrophy type 2J. Last evaluated: 2018-01-13. Review status: criteria provided, single submitter. Criteria: ICSL Variant Classification Criteria 13 December 2019. Collection method: clinical testing. Allele origin: germline.

Eurofins Ntd Llc (ga)
Classification: Likely benign. Last evaluated: 2017-01-30. Review status: criteria provided, single submitter. Criteria: EGL Classification Definitions 2015. Collection method: clinical testing. Allele origin: germline. Observed: 3 variant alleles, 3 heterozygotes.

GeneDx
Classification: Benign. Last evaluated: 2014-05-06. Review status: criteria provided, single submitter. Criteria: GeneDx Variant Classification (06012015). Collection method: clinical testing. Allele origin: germline. Affected: yes.
Comment: This variant is considered likely benign or benign based on one or more of the following criteria: it is a conservative change, it occurs at a poorly conserved position in the protein, it is predicted to be benign by multiple in silico algorithms, and/or has population frequency not consistent with disease.

Laboratory for Molecular Medicine, Mass General Brigham Personalized Medicine
Classification: Likely benign. Last evaluated: 2013-09-24. Review status: criteria provided, single submitter. Criteria: LMM Criteria. Collection method: clinical testing. Allele origin: germline. Observed: 1 variant allele.
Comment: Ile5077Val in exon 62 of TTN: This variant is not expected to have clinical sign ificance because it has been identified in 0.6% (23/3654) of African American ch romosomes by the NHLBI Exome Sequencing Project (S; dbSNP rs145204073). Ile5077Val in exon 62 of TTN (rs145204073; allele freque ncy = 0.6%, 23/3654) **

Clinical Genetics DNA and cytogenetics Diagnostics Lab, Erasmus MC, Erasmus Medical Center
Classification: Benign. Review status: no assertion criteria provided. Collection method: clinical testing. Allele origin: germline. Affected: yes. Study: VKGL Data-share Consensus. Not counted in ClinVar's aggregate classification.

Clinical Genetics, Academic Medical Center
Classification: Benign. Review status: no assertion criteria provided. Collection method: clinical testing. Allele origin: germline. Affected: yes. Study: VKGL Data-share Consensus. Not counted in ClinVar's aggregate classification.